The following is an entry in ClinVar:

ClinVar aggregate classification (germline): Uncertain significance (1 of 4 stars; one submission).

Submission:

Labcorp Genetics (formerly Invitae), Labcorp
Classification: Uncertain significance. Last evaluated: 2025-06-20. Review status: criteria provided, single submitter. Criteria: Invitae Variant Classification Sherloc (09022015). Collection method: clinical testing. Allele origin: germline.
Comment: This sequence change replaces arginine, which is basic and polar, with histidine, which is basic and polar, at codon 140 of the EFL1 protein (p.Arg140His). This variant is present in population databases (rs756840010, gnomAD 0.01%). This variant has not been reported in the literature in individuals affected with EFL1-related conditions. Invitae Evidence Modeling of protein sequence and biophysical properties (such as structural, functional, and spatial information, amino acid conservation, physicochemical variation, residue mobility, and thermodynamic stability) indicates that this missense variant is not expected to disrupt EFL1 protein function with a negative predictive value of 80%. In summary, the available evidence is currently insufficient to determine the role of this variant in disease. Therefore, it has been classified as a Variant of Uncertain Significance.

NM_024580.6(EFL1):c.419G>A (p.Arg140His)

Gene: EFL1 (elongation factor like GTPase 1; minus strand). Cytogenetic location: 15q25.2.
Variant type: single nucleotide variant.
Coding change: c.419G>A on transcript NM_024580.6 (MANE Select); coding-DNA position 419, G replaced by A.
Protein change: p.Arg140His; replaces arginine 140 with histidine.
Molecular consequence: missense variant. On other transcripts: 5 prime UTR variant (1), non-coding transcript variant (1).
Genome position (GRCh38, 1-based): chr15:82,240,515, C>T on the plus strand (G>A on the coding strand, the complement: EFL1 is on the minus strand). VCF-style: chr15-82240515-C-T. GRCh37 (hg19) VCF-style: chr15-82532856-C-T.
Other names: c.266G>A, p.Arg89His (NM_001040610.3); c.-371G>A (NM_001322844.2); c.419G>A, p.Arg140His (NM_001322845.2); short protein forms R140H, R89H.
Identifiers: ClinVar variation 4690805 (VCV004690805.1).
Genomic context (GRCh38, chr15:82,240,515, plus strand): 5'-TGTGGGGTGAATTTCAGTTCCACTATCAAGCGATCAATCTTATTAATCACTAAAACCGGA[C>T]GGATGTTTTCAAGCCAAGCTTGTCGCAGAACTGCCTGTGTCTGATAAAAACAGAAAGAAA-3'
Protein context (NP_078856.4, residues 130-150): VLRQAWLENI[Arg140His]PVLVINKIDR